The following is an entry in ClinVar:

ClinVar aggregate classification (germline): Likely benign. Review status: criteria provided, multiple submitters, no conflicts (2 of 4 stars). 3 submissions from 3 submitters: Likely benign (3). Last evaluated 2026-02-24.

Conditions:
Autosomal recessive limb-girdle muscular dystrophy type 2J (LGMDR10). Also called: Limb-girdle muscular dystrophy, type 2J; MUSCULAR DYSTROPHY, LIMB-GIRDLE, AUTOSOMAL RECESSIVE 10. Identifiers: Orphanet 140922, MedGen C1837342, MONDO:0012127, OMIM 608807.
Dilated cardiomyopathy 1G (CMD1G). Identifiers: Orphanet 154, MedGen C1858763, MONDO:0011400, OMIM 604145.
Cardiovascular phenotype. Identifiers: MedGen CN230736.

gnomAD v4.1: 3 of 1,613,916 alleles (0.00019%); highest among the groups gnomAD compares: Middle Eastern, 0.017%; no homozygotes.

Submissions (3):

Ambry Genetics
Classification: Likely benign for Cardiovascular phenotype. Last evaluated: 2026-02-24. Review status: criteria provided, single submitter. Criteria: Ambry Variant Classification Scheme 2023. Collection method: clinical testing. Allele origin: germline.

Labcorp Genetics (formerly Invitae), Labcorp
Classification: Likely benign for Dilated cardiomyopathy 1G; Autosomal recessive limb-girdle muscular dystrophy type 2J. Last evaluated: 2025-05-19. Review status: criteria provided, single submitter. Criteria: Invitae Variant Classification Sherloc (09022015). Collection method: clinical testing. Allele origin: germline.

Women's Health and Genetics/Laboratory Corporation of America, LabCorp
Classification: Likely benign. Last evaluated: 2022-04-18. Review status: criteria provided, single submitter. Criteria: LabCorp Variant Classification Summary - May 2015. Collection method: clinical testing. Allele origin: germline.
Comment: Variant summary: TTN c.96205C>A alters a conserved nucleotide resulting in a synonymous change. 4/4 computational tools predict no significant impact on normal splicing. However, these predictions have yet to be confirmed by functional studies. The variant was absent in 248988 control chromosomes. The available data on variant occurrences in the general population are insufficient to allow any conclusion about variant significance. To our knowledge, no occurrence of c.96205C>A in individuals affected with Dilated Cardiomyopathy and no experimental evidence demonstrating its impact on protein function have been reported. No clinical diagnostic laboratories have submitted clinical-significance assessments for this variant to ClinVar after 2014. Based on the evidence outlined above, the variant was classified as likely benign.

NM_001267550.2(TTN):c.103909C>A (p.Arg34637=)

Genes: TTN-AS1 (TTN antisense RNA 1; plus strand), TTN (titin; minus strand). Cytogenetic location: 2q31.2.
Variant type: single nucleotide variant.
Coding change: c.103909C>A on transcript NM_001267550.2 (MANE Select); coding-DNA position 103909, C replaced by A.
Protein change: p.Arg34637=; no amino-acid change (arginine 34637 retained).
Molecular consequence: synonymous variant.
Genome position (GRCh38, 1-based): chr2:178,532,706, G>T on the plus strand (C>A on the coding strand, the complement: TTN is on the minus strand). VCF-style: chr2-178532706-G-T. GRCh37 (hg19) VCF-style: chr2-179397433-G-T.
Other names: c.98986C>A, p.Arg32996= (NM_001256850.1); c.76714C>A, p.Arg25572= (NM_003319.4); c.96205C>A, p.Arg32069= (NM_133378.4); c.77089C>A, p.Arg25697= (NM_133432.3); c.77290C>A, p.Arg25764= (NM_133437.4).
Identifiers: ClinVar variation 1683391 (VCV001683391.7), dbSNP rs200716930, ClinGen allele CA1985524.